The following is an entry in ClinVar:

NM_001267550.2(TTN):c.96158T>C (p.Ile32053Thr)

Genes: TTN (titin; minus strand), TTN-AS1 (TTN antisense RNA 1; plus strand), LOC126806421 (CDK7 strongly-dependent group 2 enhancer GRCh37_chr2:179407630-179408829; plus strand). Cytogenetic location: 2q31.2.
Variant type: single nucleotide variant.
Coding change: c.96158T>C on transcript NM_001267550.2 (MANE Select); coding-DNA position 96158, T replaced by C.
Protein change: p.Ile32053Thr; replaces isoleucine 32053 with threonine.
Molecular consequence: missense variant.
Genome position (GRCh38, 1-based): chr2:178,543,986, A>G on the plus strand (T>C on the coding strand, the complement: TTN is on the minus strand). VCF-style: chr2-178543986-A-G. GRCh37 (hg19) VCF-style: chr2-179408713-A-G.
Other names: p.I29485T:ATT>ACT; c.91235T>C, p.Ile30412Thr (NM_001256850.1); c.68963T>C, p.Ile22988Thr (NM_003319.4); c.88454T>C, p.Ile29485Thr (NM_133378.4); c.69338T>C, p.Ile23113Thr (NM_133432.3); c.69539T>C, p.Ile23180Thr (NM_133437.4); short protein forms I32053T, I29485T, I30412T, I22988T, I23113T, I23180T.
Identifiers: ClinVar variation 47566 (VCV000047566.30), dbSNP rs62621236, ClinGen allele CA284135.
Genomic context (GRCh38, chr2:178,543,986, plus strand): 5'-TCCACTATTAGCAATGAGTAGCTCTCAGTGGTGTCAATAATTGCCCGGCTTGCAAGGTCA[A>G]TGCCCTGCTTGCTCCACGTTATGACAGGAGGTGGTCTTCCAGATACAGACACCATCAAGC-3'
Protein context (NP_001254479.2, residues 32043-32063): PPVITWSKQG[Ile32053Thr]DLASRAIIDT

ClinVar aggregate classification (germline): Benign. Review status: criteria provided, multiple submitters, no conflicts (2 of 4 stars). 20 submissions from 13 submitters: Benign (19). 1 of the submissions does not count toward it. Last evaluated 2026-02-04.

Conditions:
Dilated cardiomyopathy 1G (CMD1G). Identifiers: Orphanet 154, MedGen C1858763, MONDO:0011400, OMIM 604145.
Autosomal recessive limb-girdle muscular dystrophy type 2J (LGMDR10). Also called: MUSCULAR DYSTROPHY, LIMB-GIRDLE, AUTOSOMAL RECESSIVE 10; Limb-girdle muscular dystrophy, type 2J. Identifiers: Orphanet 140922, MedGen C1837342, MONDO:0012127, OMIM 608807.
Cardiovascular phenotype. Identifiers: MedGen CN230736.
Early-onset myopathy with fatal cardiomyopathy (CMYO5). Also called: CONGENITAL MYOPATHY 5 WITH CARDIOMYOPATHY; Salih Myopathy. Identifiers: Orphanet 289377, MedGen C2673677, MONDO:0012714, OMIM 611705. Disease mechanism: loss of function.
Myopathy, myofibrillar, 9, with early respiratory failure (MFM9). Also called: Myopathy, distal, with early respiratory failure, autosomal dominant; Hereditary myopathy with early respiratory failure; MYOPATHY, PROXIMAL, WITH EARLY RESPIRATORY MUSCLE INVOLVEMENT; EDSTROM MYOPATHY. Identifiers: Orphanet 178464, Orphanet 34521, MedGen C1863599, MONDO:0011362, OMIM 603689.
Tibial muscular dystrophy (TMD). Also called: Udd Distal Myopathy – Tibial Muscular Dystrophy; Tibial muscular dystrophy, tardive; UDD MYOPATHY. Identifiers: Orphanet 609, MedGen C1838244, MONDO:0010870, OMIM 600334.

Allele frequency attached by ClinVar (database versions not stated): ExAC 0.08082; gnomAD exomes 0.08524 and 0.05112; TOPMed 0.09070; gnomAD 0.08189 and 0.08400; ESP Exome Variant Server 0.07138; 1000 Genomes Project 0.11581; 1000 Genomes Project 30x 0.11665.
gnomAD v4.1: 87,946 of 1,613,566 alleles (5.5%); highest among the groups gnomAD compares: Admixed American, 19%; 4,636 homozygotes.

Submissions (20):

Labcorp Genetics (formerly Invitae), Labcorp
Classification: Benign for Dilated cardiomyopathy 1G; Autosomal recessive limb-girdle muscular dystrophy type 2J. Last evaluated: 2026-02-04. Review status: criteria provided, single submitter. Criteria: Invitae Variant Classification Sherloc (09022015). Collection method: clinical testing. Allele origin: germline.

Molecular Diagnostic Laboratory for Inherited Cardiovascular Disease, Montreal Heart Institute
Classification: Benign. Last evaluated: 2025-04-09. Review status: criteria provided, single submitter. Criteria: ACMG Guidelines, 2015. Collection method: clinical testing. Allele origin: germline. Affected: no.
Comment: BA1

Genome-Nilou Lab
Classification: Benign for Autosomal recessive limb-girdle muscular dystrophy type 2J. Last evaluated: 2021-09-10. Review status: criteria provided, single submitter. Criteria: ACMG Guidelines, 2015. Collection method: clinical testing. Allele origin: germline. Affected: no.

Genome-Nilou Lab
Classification: Benign for Myopathy, myofibrillar, 9, with early respiratory failure. Last evaluated: 2021-09-10. Review status: criteria provided, single submitter. Criteria: ACMG Guidelines, 2015. Collection method: clinical testing. Allele origin: germline. Affected: no.

Genome-Nilou Lab
Classification: Benign for Early-onset myopathy with fatal cardiomyopathy. Last evaluated: 2021-09-10. Review status: criteria provided, single submitter. Criteria: ACMG Guidelines, 2015. Collection method: clinical testing. Allele origin: germline. Affected: no.

Genome-Nilou Lab
Classification: Benign for Tibial muscular dystrophy. Last evaluated: 2021-09-10. Review status: criteria provided, single submitter. Criteria: ACMG Guidelines, 2015. Collection method: clinical testing. Allele origin: germline. Affected: no.

Women's Health and Genetics/Laboratory Corporation of America, LabCorp
Classification: Benign. Last evaluated: 2019-10-30. Review status: criteria provided, single submitter. Criteria: LabCorp Variant Classification Summary - May 2015. Collection method: clinical testing. Allele origin: germline.
Comment: Variant summary: TTN c.88454T>C (p.Ile29485Thr) results in a non-conservative amino acid change located in the A-band of the encoded protein sequence. Four of five in-silico tools predict a benign effect of the variant on protein function. The variant allele was found at a frequency of 0.085 in 248908 control chromosomes, predominantly at a frequency of 0.2 within the Latino subpopulation in the gnomAD database, including 731 homozygotes. The observed variant frequency within Latino control individuals in the gnomAD database is approximately 319.9 fold of the estimated maximal expected allele frequency for a pathogenic variant in TTN causing Cardiomyopathy phenotype (0.00063), strongly suggesting that the variant is a benign polymorphism found primarily in populations of Latino origin. A ClinVar submission (evaluation after 2014) cites the variant as likely benign. Based on the evidence outlined above, the variant was classified as benign.

Illumina Laboratory Services, Illumina
Classification: Benign for Autosomal recessive limb-girdle muscular dystrophy type 2J. Last evaluated: 2018-01-12. Review status: criteria provided, single submitter. Criteria: ICSL Variant Classification Criteria 13 December 2019. Collection method: clinical testing. Allele origin: germline.
Comment: This variant was observed in the ICSL laboratory as part of a predisposition screen in an ostensibly healthy population. It had not been previously curated by ICSL or reported in the Human Gene Mutation Database (HGMD: prior to June 1st, 2018), and was therefore a candidate for classification through an automated scoring system. Utilizing variant allele frequency, disease prevalence and penetrance estimates, and inheritance mode, an automated score was calculated to assess if this variant is too frequent to cause the disease. Based on the score and internal cut-off values, a variant classified as benign is not then subjected to further curation. The score for this variant resulted in a classification of benign for this disease.

Illumina Laboratory Services, Illumina
Classification: Benign for Early-onset myopathy with fatal cardiomyopathy. Last evaluated: 2018-01-12. Review status: criteria provided, single submitter. Criteria: ICSL Variant Classification Criteria 13 December 2019. Collection method: clinical testing. Allele origin: germline.
Comment: the same text as in the submission from Illumina Laboratory Services, Illumina above.

Illumina Laboratory Services, Illumina
Classification: Benign for Dilated cardiomyopathy 1G. Last evaluated: 2018-01-12. Review status: criteria provided, single submitter. Criteria: ICSL Variant Classification Criteria 13 December 2019. Collection method: clinical testing. Allele origin: germline.
Comment: the same text as in the submission from Illumina Laboratory Services, Illumina above.

Illumina Laboratory Services, Illumina
Classification: Benign for Tibial muscular dystrophy. Last evaluated: 2018-01-12. Review status: criteria provided, single submitter. Criteria: ICSL Variant Classification Criteria 13 December 2019. Collection method: clinical testing. Allele origin: germline.
Comment: the same text as in the submission from Illumina Laboratory Services, Illumina above.

Illumina Laboratory Services, Illumina
Classification: Benign for Myopathy, myofibrillar, 9, with early respiratory failure. Last evaluated: 2018-01-12. Review status: criteria provided, single submitter. Criteria: ICSL Variant Classification Criteria 13 December 2019. Collection method: clinical testing. Allele origin: germline.
Comment: the same text as in the submission from Illumina Laboratory Services, Illumina above.

Mayo Clinic Laboratories, Mayo Clinic
Classification: Benign. Last evaluated: 2017-08-24. Review status: criteria provided, single submitter. Criteria: ACMG Guidelines, 2015. Collection method: clinical testing. Allele origin: germline. Observed: 282 variant alleles.

Biesecker Lab/Clinical Genomics Section, National Institutes of Health
Classification: Benign. Last evaluated: 2013-06-24. Review status: criteria provided, single submitter. Criteria: Ng et al. (Circ Cardiovasc Genet. 2013). Collection method: research. Allele origin: unknown. Observed: 72 variant alleles. Study: ClinSeq.
Comment: The study set was not selected for affection status in relation to any cancer. Pathogenicity categories were based on literature curation. See Pubmed ID:23861362 for details.

Medical sequencing

Ambry Genetics
Classification: Benign for Cardiovascular phenotype. Last evaluated: 2013-01-16. Review status: criteria provided, single submitter. Criteria: Ambry Autosomal Dominant and X-Linked criteria (10/2015). Collection method: clinical testing. Allele origin: germline. Observed: 1 variant allele.

GeneDx
Classification: Benign. Last evaluated: 2012-10-18. Review status: criteria provided, single submitter. Criteria: GeneDx Variant Classification (06012015). Collection method: clinical testing. Allele origin: germline. Affected: yes.
Comment: This variant is considered likely benign or benign based on one or more of the following criteria: it is a conservative change, it occurs at a poorly conserved position in the protein, it is predicted to be benign by multiple in silico algorithms, and/or has population frequency not consistent with disease.

Laboratory for Molecular Medicine, Mass General Brigham Personalized Medicine
Classification: Benign. Last evaluated: 2011-09-27. Review status: criteria provided, single submitter. Criteria: LMM Criteria. Collection method: clinical testing. Allele origin: germline. Observed: 248 variant alleles.

Breakthrough Genomics
Classification: Benign. Review status: criteria provided, single submitter. Criteria: ACMG Guidelines, 2015. Collection method: not provided. Allele origin: germline. Inheritance: Autosomal recessive inheritance. Affected: yes.

PreventionGenetics, part of Exact Sciences
Classification: Benign. Review status: criteria provided, single submitter. Criteria: ACMG Guidelines, 2015. Collection method: clinical testing. Allele origin: germline.

Genetic Services Laboratory, University of Chicago
Classification: Likely benign for AllHighlyPenetrant. Review status: no assertion criteria provided. Collection method: clinical testing. Allele origin: germline. Not counted in ClinVar's aggregate classification.
Comment: Likely benign based on allele frequency in 1000 Genomes Project or ESP global frequency and its presence in a patient with a rare or unrelated disease phenotype. NOT Sanger confirmed.